The following is an entry in ClinVar:

ClinVar aggregate classification (germline): Uncertain significance (1 of 4 stars; one submission).

Conditions:
Genitopatellar syndrome (GTPTS). Also called: ABSENT PATELLAE, SCROTAL HYPOPLASIA, RENAL ANOMALIES, FACIAL DYSMORPHISM, AND MENTAL RETARDATION; Genitopatellar syndrome (GPS). Identifiers: Orphanet 85201, MedGen C1853566, MONDO:0011640, OMIM 606170.

Submission:

Labcorp Genetics (formerly Invitae), Labcorp
Classification: Uncertain significance for Genitopatellar syndrome. Last evaluated: 2025-06-12. Review status: criteria provided, single submitter. Criteria: Invitae Variant Classification Sherloc (09022015). Collection method: clinical testing. Allele origin: germline.
Comment: This sequence change replaces valine, which is neutral and non-polar, with leucine, which is neutral and non-polar, at codon 1542 of the KAT6B protein (p.Val1542Leu). This variant is not present in population databases (gnomAD no frequency). This variant has not been reported in the literature in individuals affected with KAT6B-related conditions. ClinVar contains an entry for this variant (Variation ID: 3621500). Invitae Evidence Modeling of protein sequence and biophysical properties (such as structural, functional, and spatial information, amino acid conservation, physicochemical variation, residue mobility, and thermodynamic stability) indicates that this missense variant is not expected to disrupt KAT6B protein function with a negative predictive value of 80%. In summary, the available evidence is currently insufficient to determine the role of this variant in disease. Therefore, it has been classified as a Variant of Uncertain Significance.

NM_012330.4(KAT6B):c.4624G>C (p.Val1542Leu)

Gene: KAT6B (lysine acetyltransferase 6B; plus strand). Cytogenetic location: 10q22.2.
Variant type: single nucleotide variant.
Coding change: c.4624G>C on transcript NM_012330.4 (MANE Select); coding-DNA position 4624, G replaced by C.
Protein change: p.Val1542Leu; replaces valine 1542 with leucine.
Molecular consequence: missense variant.
Genome position (GRCh38, 1-based): chr10:75,029,448, G>C. VCF-style: chr10-75029448-G-C. GRCh37 (hg19) VCF-style: chr10-76789206-G-C.
Other names: c.4075G>C, p.Val1359Leu (NM_001256468.2, NM_001370138.1); c.3748G>C, p.Val1250Leu (NM_001256469.2, NM_001370139.1, NM_001370140.1 and 2 more transcripts); c.3586G>C, p.Val1196Leu (NM_001370132.1); c.2935G>C, p.Val979Leu (NM_001370133.1); c.2539G>C, p.Val847Leu (NM_001370134.1); c.2281G>C, p.Val761Leu (NM_001370135.1); c.4624G>C, p.Val1542Leu (NM_001370136.1, NM_001370137.1); c.3559G>C, p.Val1187Leu (NM_001370143.1, NM_001370144.1); short protein forms V1187L, V1196L, V1250L, V1359L, V1542L, V761L, V847L, V979L.
Identifiers: ClinVar variation 3621500 (VCV003621500.2).
Genomic context (GRCh38, chr10:75,029,448, plus strand): 5'-GAAGTCGATACAGAGTTCAAAGAGGGAAACCCAGCAACCATGGAAATCGACTCTGAGACT[G>C]TCCAGGCCGTTCAGTCTTTGACCCAGGAGAGCAGCGAACAGGACGACACCTTTCAGGATT-3'
Protein context (NP_036462.2, residues 1532-1552): PATMEIDSET[Val1542Leu]QAVQSLTQES